The following is an entry in ClinVar:

NM_213649.2(SFXN4):c.678G>A (p.Ala226=)

Gene: SFXN4 (sideroflexin 4; minus strand). Cytogenetic location: 10q26.11.
Variant type: single nucleotide variant.
Coding change: c.678G>A on transcript NM_213649.2 (MANE Select); coding-DNA position 678, G replaced by A.
Protein change: p.Ala226=; no amino-acid change (alanine 226 retained).
Molecular consequence: synonymous variant. On other transcripts: non-coding transcript variant (1).
Genome position (GRCh38, 1-based): chr10:119,155,116, C>T on the plus strand (G>A on the coding strand, the complement: SFXN4 is on the minus strand). VCF-style: chr10-119155116-C-T. GRCh37 (hg19) VCF-style: chr10-120914628-C-T.
Identifiers: ClinVar variation 380100 (VCV000380100.16), dbSNP rs34251123, ClinGen allele CA5714433.

ClinVar aggregate classification (germline): Benign. Review status: criteria provided, multiple submitters, no conflicts (2 of 4 stars). 4 submissions from 4 submitters: Benign (2). 2 of the submissions do not count toward it. Last evaluated 2026-01-15.

Conditions:
SFXN4-related disorder. Also called: SFXN4-related condition.

Allele frequency attached by ClinVar (database versions not stated): gnomAD 0.00977 and 0.01036; TOPMed 0.01085; 1000 Genomes Project 0.01118; ESP Exome Variant Server 0.01123; 1000 Genomes Project 30x 0.01124.
gnomAD v4.1: 2,975 of 1,614,166 alleles (0.18%); highest among the groups gnomAD compares: African/African-American, 3.4%; 51 homozygotes.

Submissions (4):

Labcorp Genetics (formerly Invitae), Labcorp
Classification: Benign. Last evaluated: 2026-01-15. Review status: criteria provided, single submitter. Criteria: Invitae Variant Classification Sherloc (09022015). Collection method: clinical testing. Allele origin: germline.

GeneDx
Classification: Benign. Last evaluated: 2016-02-09. Review status: criteria provided, single submitter. Criteria: GeneDx Variant Classification (06012015). Collection method: clinical testing. Allele origin: germline. Affected: yes.
Comment: This variant is considered likely benign or benign based on one or more of the following criteria: it is a conservative change, it occurs at a poorly conserved position in the protein, it is predicted to be benign by multiple in silico algorithms, and/or has population frequency not consistent with disease.

PreventionGenetics, part of Exact Sciences
Classification: Benign for SFXN4-related condition. Last evaluated: 2019-10-02. Review status: no assertion criteria provided. Collection method: clinical testing. Allele origin: germline. Not counted in ClinVar's aggregate classification.
Comment: This variant is classified as benign based on ACMG/AMP sequence variant interpretation guidelines (Richards et al. 2015 PMID: 25741868, with internal and published modifications).

Mayo Clinic Laboratories, Mayo Clinic
Classification: Benign. Last evaluated: 2017-08-21. Review status: no assertion criteria provided. Collection method: clinical testing. Allele origin: unknown. Not counted in ClinVar's aggregate classification.